The following is an entry in ClinVar:

NM_024685.4(BBS10):c.145C>T (p.Arg49Trp)

Gene: BBS10 (Bardet-Biedl syndrome 10; minus strand). Cytogenetic location: 12q21.2.
Variant type: single nucleotide variant.
Coding change: c.145C>T on transcript NM_024685.4 (MANE Select); coding-DNA position 145, C replaced by T.
Protein change: p.Arg49Trp; replaces arginine 49 with tryptophan.
Molecular consequence: missense variant.
Genome position (GRCh38, 1-based): chr12:76,348,214, G>A on the plus strand (C>T on the coding strand, the complement: BBS10 is on the minus strand). VCF-style: chr12-76348214-G-A. GRCh37 (hg19) VCF-style: chr12-76741994-G-A.
Other names: c.145C>T, p.Arg49Trp (LRG_1255t1); short protein forms R49W.
Identifiers: ClinVar variation 225010 (VCV000225010.72), dbSNP rs768933093, ClinGen allele CA358165.

ClinVar aggregate classification (germline): Pathogenic/Likely pathogenic. Review status: criteria provided, multiple submitters, no conflicts (2 of 4 stars). 17 submissions from 17 submitters: Pathogenic (13); Likely pathogenic (1). 3 of the submissions do not count toward it. Last evaluated 2026-04-16.

Conditions:
BBS10-related ciliopathy. Identifiers: MedGen CN375912, MONDO:0700237.
Intellectual disability. Also called: Intellectual developmental disorder; Intellectual functioning disability; intellectual disabilities. Identifiers: MedGen C3714756, MeSH D008607, MONDO:0001071, HP:0001249.
Macular degeneration. Also called: Degenerative disorder of macula. Identifiers: MedGen C0024437, MONDO:0003004, HP:0000608.
Retinal dystrophy. Also called: Inherited retinal dystrophy. Identifiers: Orphanet 71862, MedGen C0854723, MeSH D058499, MONDO:0019118, HP:0000556.
Postaxial hand polydactyly. Also called: Postaxial polydactyly of fingers. Identifiers: MedGen C0431904, MONDO:0017426, HP:0001162.
High-frequency hearing impairment. Identifiers: MedGen C0018780, HP:0005101.
Foot polydactyly. Identifiers: MedGen C0158734, HP:0001829.
BBS10-related disorder. Also called: BBS10-related condition.
Inborn genetic diseases. Identifiers: MedGen C0950123, MeSH D030342.
Bardet-Biedl syndrome (BBS). Identifiers: Orphanet 110, MedGen C0752166, MONDO:0015229.
Bardet-Biedl syndrome 1 (BBS1). Identifiers: MedGen C2936862, MONDO:0008854, OMIM 209900. Disease mechanism: loss of function.
Bardet-Biedl syndrome 10 (BBS10). Identifiers: Orphanet 110, MedGen C1859568, MONDO:0014438, OMIM 615987.

Allele frequency attached by ClinVar (database versions not stated): gnomAD 0.00004 and 0.00005; TOPMed 0.00004; ExAC 0.00005; gnomAD exomes 0.00005.
gnomAD v4.1: 76 of 1,613,486 alleles (0.0047%); highest among the groups gnomAD compares: Non-Finnish European, 0.0063%; no homozygotes.

Submissions 1 to 13 of 17:

Women's Health and Genetics/Laboratory Corporation of America, LabCorp
Classification: Pathogenic for Bardet-Biedl syndrome. Last evaluated: 2026-04-16. Review status: criteria provided, single submitter. Criteria: LabCorp Variant Classification Summary - May 2015. Collection method: clinical testing. Allele origin: germline.
Comment: Variant summary: BBS10 c.145C>T (p.Arg49Trp) results in a non-conservative amino acid change in the encoded protein sequence. Algorithms developed to predict the effect of missense changes on protein structure and function all suggest that this variant is likely to be disruptive. The variant allele was found at a frequency of 4.8e-05 in 247886 control chromosomes. This frequency is not significantly higher than estimated for disease-causing variants in BBS10, allowing no conclusion about variant significance. c.145C>T has been observed in multiple individuals affected with Bardet-Biedl Syndrome (e.g. Stoetzel_2006, Orlova_2024). These data indicate that the variant is very likely to be associated with disease. At least one publication reports experimental evidence evaluating an impact on protein function and classified the variant as a null allele based on its inability to rescue a zebrafish morpholinos (Zaghloul_2010). The following publications have been ascertained in the context of this evaluation (PMID: 39092430, 16582908, 20498079). ClinVar contains an entry for this variant (Variation ID: 225010). Based on the evidence outlined above, the variant was classified as pathogenic.

Clinical Genetics Laboratory, Skane University Hospital Lund
Classification: Pathogenic for BBS10-related ciliopathy. Last evaluated: 2026-04-14. Review status: criteria provided, single submitter. Criteria: ACMG Guidelines, 2015. Collection method: clinical testing. Allele origin: germline. Inheritance: Autosomal recessive inheritance. Affected: yes.
Comment: ACMG criteria: PS3_supporting, PM2, PM3_very strong and PP3.

Natera, Inc.
Classification: Pathogenic for Bardet-Biedl syndrome type 10. Last evaluated: 2025-09-15. Review status: criteria provided, single submitter. Criteria: Natera Variant Classification Schema (03/2026). Collection method: clinical testing. Allele origin: germline.
Comment: The c.145C>T variant in BBS10 is a missense variant predicted to cause substitution of arginine to tryptophan at amino acid 49. This variant is rare in the general population with a frequency below the threshold expected for the associated phenotype(s). This variant has been observed in one or more individuals affected with the associated recessive disease, as either homozygous or compound heterozygous with a second variant (PMID: 21209035). Computational prediction algorithms indicate this variant is likely to affect gene or protein function. Given the available evidence, this variant is classified as Pathogenic.

Labcorp Genetics (formerly Invitae), Labcorp
Classification: Pathogenic for Bardet-Biedl syndrome. Last evaluated: 2025-08-29. Review status: criteria provided, single submitter. Criteria: Invitae Variant Classification Sherloc (09022015). Collection method: clinical testing. Allele origin: germline.
Comment: This sequence change replaces arginine, which is basic and polar, with tryptophan, which is neutral and slightly polar, at codon 49 of the BBS10 protein (p.Arg49Trp). This variant is present in population databases (rs768933093, gnomAD 0.01%). This missense change has been observed in individual(s) with Bardet-Biedl syndrome (PMID: 16582908, 20472660, 22410627, 25982971). ClinVar contains an entry for this variant (Variation ID: 225010). Invitae Evidence Modeling of protein sequence and biophysical properties (such as structural, functional, and spatial information, amino acid conservation, physicochemical variation, residue mobility, and thermodynamic stability) indicates that this missense variant is expected to disrupt BBS10 protein function with a positive predictive value of 80%. Experimental studies have shown that this missense change affects BBS10 function (PMID: 20498079). For these reasons, this variant has been classified as Pathogenic.

CeGaT Center for Human Genetics Tuebingen
Classification: Pathogenic. Last evaluated: 2025-01-01. Review status: criteria provided, single submitter. Criteria: CeGaT Center For Human Genetics Tuebingen Variant Classification Criteria Version 2. Collection method: clinical testing. Allele origin: germline. Affected: yes. Observed: 2 variant alleles.
Comment: BBS10: PM3:Very Strong, PM2, PM5, PS3:Supporting

Blueprint Genetics
Classification: Pathogenic for BBS10-related disorders. Last evaluated: 2024-05-08. Review status: criteria provided, single submitter. Criteria: ACMG Guidelines, 2015. Collection method: clinical testing. Allele origin: germline. Affected: yes. Observed: 5 variant alleles.

GeneDx
Classification: Pathogenic. Last evaluated: 2022-06-23. Review status: criteria provided, single submitter. Criteria: GeneDx Variant Classification Process June 2021. Collection method: clinical testing. Allele origin: germline. Affected: yes.
Comment: Published functional studies demonstrate a damaging effect (Zaghloul et al., 2010); In silico analysis supports that this missense variant has a deleterious effect on protein structure/function; This variant is associated with the following publications: (PMID: 30767287, 24746959, 20498079, 25982971, 16582908, 20472660, 22410627, 20080638, 20120035, 21344540, 30577886, 32686083, 33138063, 34426522)

Institute of Human Genetics, Univ. Regensburg, Univ. Regensburg
Classification: Pathogenic for Retinal dystrophy. Last evaluated: 2022-01-01. Review status: criteria provided, single submitter. Criteria: ACMG Guidelines, 2015. Collection method: clinical testing. Allele origin: germline. Affected: yes.

Institute of Medical Genetics and Applied Genomics, University Hospital Tübingen
Classification: Pathogenic. Last evaluated: 2021-02-01. Review status: criteria provided, single submitter. Criteria: ACMG Guidelines, 2015. Collection method: clinical testing. Allele origin: germline. Inheritance: Unknown mechanism. Affected: yes.

Revvity Omics, Revvity
Classification: Likely pathogenic for Bardet-Biedl syndrome 10. Last evaluated: 2020-04-05. Review status: criteria provided, single submitter. Criteria: ACMG Guidelines, 2015. Collection method: clinical testing. Allele origin: germline.

Fulgent Genetics
Classification: Pathogenic for Bardet-Biedl syndrome 10. Last evaluated: 2018-10-31. Review status: criteria provided, single submitter. Criteria: ACMG Guidelines, 2015. Collection method: clinical testing. Allele origin: unknown.

Illumina Laboratory Services, Illumina
Classification: Pathogenic for Bardet-Biedl syndrome 10. Last evaluated: 2017-04-28. Review status: criteria provided, single submitter. Criteria: ICSL Variant Classification Criteria 09 May 2019. Collection method: clinical testing. Allele origin: germline.
Comment: The BBS10 c.145C>T (p.Arg49Trp) missense variant has been reported in nine studies in which it is found in at least 15 patients with Bardet-Biedl syndrome, including in four in a homozygous state and in 11 in a compound heterozygous state (Stoetzel et al. 2006; HjortshÃ¸j et al. 2010; Muller et al. 2010; Bennouna-Greene et al. 2011; Chen et al. 2011; Imhoff et al. 2011; Schaefer et al. 2011; Lindstrand et al. 2014; Scheidecker et al. 2015). The p.Arg49Trp variant was absent from 192 control chromosomes and is reported at a frequency of 0.00009 in the European (non-Finnish) population of the Exome Aggregation Consortium. Functional studies demonstrated that the p.Arg49Trp variant was a null allele and failed to rescue morphant phenotypes seen in zebrafish embryos in which translation of the BBS10 protein was suppressed (Zaghloul et al. 2010). Based on the collective evidence, the p.Arg49Trp variant is considered to be pathogenic for Bardet-Biedl syndrome. This variant was observed by ICSL as part of a predisposition screen in an ostensibly healthy population.

Centre for Mendelian Genomics, University Medical Centre Ljubljana
Classification: Pathogenic for Foot polydactyly; High-frequency hearing impairment; Intellectual disability; Macular degeneration; Postaxial hand polydactyly; Retinal dystrophy. Last evaluated: 2017-01-01. Review status: criteria provided, single submitter. Criteria: ACMG Guidelines, 2015. Collection method: clinical testing. Allele origin: unknown. Affected: yes.